The following is an entry in ClinVar:

NM_001164508.2(NEB):c.19307_19308del (p.Ala6436fs)

Gene: NEB (nebulin; minus strand). Cytogenetic location: 2q23.3.
Variant type: Deletion.
Coding change: c.19307_19308del on transcript NM_001164508.2 (MANE Select); coding-DNA positions 19307 to 19308, 2 bases deleted (CC; older notation c.19307_19308delCC).
Protein change: p.Ala6436fs; shifts the reading frame from alanine 6436.
Molecular consequence: frameshift variant.
Genome position (GRCh38, 1-based): chr2:151,560,598-151,560,599, GG deleted on the plus strand (CC on the coding strand, the reverse complement: NEB is on the minus strand). VCF-style (leftmost placement, unchanged base first): chr2-151560597-TGG-T. GRCh37 (hg19) VCF-style: chr2-152417111-TGG-T.
Other names: c.19307_19308del, p.Ala6436fs (NM_001164507.2, NM_001271208.2); c.14204_14205del, p.Ala4735fs (NM_004543.5); short protein forms A4735fs, A6436fs.
Identifiers: ClinVar variation 1725232 (VCV001725232.2), dbSNP rs2552188966, ClinGen allele CA2580063884.

ClinVar aggregate classification (germline): Likely pathogenic (1 of 4 stars; one submission).

Conditions:
Nemaline myopathy 2 (NEM2). Also called: Nemaline myopathy 2, autosomal recessive. Identifiers: MedGen C1850569, MONDO:0009725, OMIM 256030.

Submission:

Myriad Genetics, Inc.
Classification: Likely pathogenic for Nemaline myopathy 2. Last evaluated: 2022-03-15. Review status: criteria provided, single submitter. Criteria: Myriad Women's Health Autosomal Recessive and X-Linked Classification Criteria (2021). Collection method: clinical testing. Allele origin: unknown.
Comment: NM_001271208.1(NEB):c.19307_19308delCC(A6436Efs*10) is expected to be pathogenic in the context of NEB-related nemaline myopathy. This variant is predicted to lead to an abnormal or absent protein product due to the creation of a premature termination codon in NEB, a gene where loss-of-function variants are known to be pathogenic. Please note: this variant was assessed in the context of healthy population screening.